The following is an entry in ClinVar:

NM_001130144.3(LTBP3):c.1953G>A (p.Val651=)

Genes: LTBP3 (latent transforming growth factor beta binding protein 3; minus strand), LOC130006032 (ATAC-STARR-seq lymphoblastoid silent region 3535; plus strand). Cytogenetic location: 11q13.1.
Variant type: single nucleotide variant.
Coding change: c.1953G>A on transcript NM_001130144.3 (MANE Select); coding-DNA position 1953, G replaced by A.
Protein change: p.Val651=; no amino-acid change (valine 651 retained).
Molecular consequence: synonymous variant.
Genome position (GRCh38, 1-based): chr11:65,547,715, C>T on the plus strand (G>A on the coding strand, the complement: LTBP3 is on the minus strand). VCF-style: chr11-65547715-C-T. GRCh37 (hg19) VCF-style: chr11-65315186-C-T.
Other names: c.1602G>A, p.Val534= (NM_001164266.1); c.1953G>A, p.Val651= (NM_021070.4).
Identifiers: ClinVar variation 3712683 (VCV003712683.2).

ClinVar aggregate classification (germline): Uncertain significance (1 of 4 stars; one submission).

Conditions:
Brachyolmia-amelogenesis imperfecta syndrome. Also called: PLATYSPONDYLY WITH AMELOGENESIS IMPERFECTA; Tooth agenesis, selective, 6; Dental anomalies and short stature. Identifiers: Orphanet 2899, MedGen C1832594, MONDO:0011018, OMIM 601216. Disease mechanism: loss of function.

Submission:

Labcorp Genetics (formerly Invitae), Labcorp
Classification: Uncertain significance for Brachyolmia-amelogenesis imperfecta syndrome. Last evaluated: 2025-11-13. Review status: criteria provided, single submitter. Criteria: Invitae Variant Classification Sherloc (09022015). Collection method: clinical testing. Allele origin: germline.
Comment: This sequence change affects codon 651 of the LTBP3 mRNA. It is a 'silent' change, meaning that it does not change the encoded amino acid sequence of the LTBP3 protein. This variant is not present in population databases (gnomAD no frequency). This variant has not been reported in the literature in individuals affected with LTBP3-related conditions. ClinVar contains an entry for this variant (Variation ID: 3712683). Algorithms developed to predict the effect of sequence changes on RNA splicing suggest that this variant may create or strengthen a splice site. In summary, the available evidence is currently insufficient to determine the role of this variant in disease. Therefore, it has been classified as a Variant of Uncertain Significance.